The following is an entry in ClinVar:

NM_001130987.2(DYSF):c.3257del (p.Gly1086fs)

Gene: DYSF (dysferlin; plus strand). Cytogenetic location: 2p13.2.
Variant type: Deletion.
Coding change: c.3257del on transcript NM_001130987.2 (MANE Select); coding-DNA position 3257, one base deleted (G; older notation c.3257delG).
Protein change: p.Gly1086fs; shifts the reading frame from glycine 1086.
Molecular consequence: frameshift variant.
Genome position (GRCh38, 1-based): chr2:71,574,226, G deleted; the last of 3 consecutive G bases (chr2:71,574,224-71,574,226); deleting any one gives the same sequence. VCF-style (leftmost placement, unchanged base first): chr2-71574223-AG-A. GRCh37 (hg19) VCF-style: chr2-71801353-AG-A.
Other names: c.3206del, p.Gly1069fs (NM_001130455.2, NM_001130983.2); c.3161del, p.Gly1054fs (NM_001130976.2, NM_001130977.2); c.3203del, p.Gly1068fs (NM_001130978.2, NM_003494.4); c.3296del, p.Gly1099fs (NM_001130979.2); c.3254del, p.Gly1085fs (NM_001130980.2, NM_001130981.2); c.3299del, p.Gly1100fs (NM_001130982.2); c.3164del, p.Gly1055fs (NM_001130984.2, NM_001130986.2); c.3257del, p.Gly1086fs (NM_001130985.2); short protein forms G1054fs, G1085fs, G1100fs, G1055fs, G1068fs, G1069fs, G1086fs, G1099fs.
Identifiers: ClinVar variation 2830164 (VCV002830164.4), dbSNP rs2545875559, ClinGen allele CA2739271040.
Genomic context (GRCh38, chr2:71,574,223, plus strand): 5'-CACCGGCCTCTGAGTCTGCCCCTTCTCTTGTGCAGCACAGGCAGGCGGAGGCGGAGGGCG[AG>A]GGCTGGGAGTACGCCTCTCTTTTTGGCTGGAAGTTCCACCTCGAGTACCGCAAGACAGAT-3'

ClinVar aggregate classification (germline): Pathogenic. Review status: criteria provided, multiple submitters, no conflicts (2 of 4 stars). 2 submissions from 2 submitters: Pathogenic (2). Last evaluated 2025-06-20.

Conditions:
Neuromuscular disease caused by qualitative or quantitative defects of dysferlin. Also called: Dysferlinopathy; Qualitative or quantitative defects of dysferlin. Identifiers: Orphanet 207073, MedGen C2931687, MONDO:0016145.
Autosomal recessive limb-girdle muscular dystrophy. Identifiers: Orphanet 102015, MedGen C2931907, MONDO:0015152.

Submissions (2):

Myriad Genetics, Inc.
Classification: Pathogenic for Autosomal recessive limb-girdle muscular dystrophy. Last evaluated: 2025-06-20. Review status: criteria provided, single submitter. Criteria: Myriad Autosomal Dominant, Autosomal Recessive and X-Linked Classification Criteria (2023). Collection method: clinical testing. Allele origin: unknown.
Comment: NM_003494.3(DYSF):c.3203delG(G1068Afs*52) is expected to be pathogenic in the context of dysferlinopathy. This variant is predicted to lead to an abnormal or absent protein product due to the creation of a premature termination codon in DYSF, a gene where loss-of-function variants are known to be pathogenic. Please note: this variant was assessed in the context of healthy population screening.

Labcorp Genetics (formerly Invitae), Labcorp
Classification: Pathogenic for Neuromuscular disease caused by qualitative or quantitative defects of dysferlin. Last evaluated: 2023-01-19. Review status: criteria provided, single submitter. Criteria: Invitae Variant Classification Sherloc (09022015). Collection method: clinical testing. Allele origin: germline.
Comment: This sequence change creates a premature translational stop signal (p.Gly1068Alafs*52) in the DYSF gene. It is expected to result in an absent or disrupted protein product. Loss-of-function variants in DYSF are known to be pathogenic (PMID: 17698709, 20301480). This variant is not present in population databases (gnomAD no frequency). This variant has not been reported in the literature in individuals affected with DYSF-related conditions. For these reasons, this variant has been classified as Pathogenic.

Literature cited by the submitters: PubMed 17698709 (cited by Labcorp Genetics (formerly Invitae), Labcorp); PubMed 20301480 (cited by Labcorp Genetics (formerly Invitae), Labcorp).